The following is an entry in ClinVar:

NM_014845.6(FIG4):c.2377-11_2377-10del

Gene: FIG4 (FIG4 phosphoinositide 5-phosphatase; plus strand). Cytogenetic location: 6q21.
Variant type: Deletion.
Coding change: c.2377-11_2377-10del on transcript NM_014845.6 (MANE Select); 11 bases into the intron before coding-DNA position 2377 through 10 bases into the intron before coding-DNA position 2377, 2 bases deleted (TT; older notation c.2377-11_2377-10delTT).
Molecular consequence: intron variant.
Genome position (GRCh38, 1-based): chr6:109,792,571-109,792,572, TT deleted; deleting any 2 consecutive bases within chr6:109,792,561-109,792,572 gives the same sequence; the c. name uses the placement nearest the transcript's 3' end. VCF-style (leftmost placement, unchanged base first): chr6-109792560-CTT-C. GRCh37 (hg19) VCF-style: chr6-110113763-CTT-C.
Other names: NC_000006.11:g.110113774_110113775del; c.2377-11_2377-10delTT (NM_014845.5).
Identifiers: ClinVar variation 284187 (VCV000284187.15), dbSNP rs200535694, ClinGen allele CA3956377.
Genomic context (GRCh38, chr6:109,792,560, plus strand): 5'-TTTCATTTTTTTGGGGAAATTATTGATATGCTATATGTCTAAAAATTCTTCCTGGTTCTT[CTT>C]TTTTTTTTTTAAACCCCAGAATGTGGTCCAACCCATGAAGGAGCTATATGGAATTAACCT-3'

ClinVar aggregate classification (germline): Benign/Likely benign. Review status: criteria provided, multiple submitters, no conflicts (2 of 4 stars). 3 submissions from 3 submitters: Benign (1); Likely benign (1). 1 of the submissions does not count toward it. Last evaluated 2025-10-08.

Conditions:
FIG4-related disorder. Also called: FIG4-related condition; FIG4-related disorders.
Charcot-Marie-Tooth disease type 4. Also called: Charcot-Marie-Tooth, Type 4; Charcot-Marie-Tooth disease, type IV. Identifiers: Orphanet 64749, MedGen C4082197, MONDO:0018995.

Submissions (4):

Labcorp Genetics (formerly Invitae), Labcorp
Classification: Benign for Charcot-Marie-Tooth disease type 4. Last evaluated: 2025-10-08. Review status: criteria provided, single submitter. Criteria: Invitae Variant Classification Sherloc (09022015). Collection method: clinical testing. Allele origin: germline.

Eurofins Ntd Llc (ga)
Classification: Likely benign. Last evaluated: 2015-12-23. Review status: criteria provided, single submitter. Criteria: EGL Classification Definitions 2015. Collection method: clinical testing. Allele origin: germline. Observed: 1 variant allele, 1 heterozygote.

PreventionGenetics, part of Exact Sciences
Classification: Likely benign for FIG4-related condition. Last evaluated: 2020-02-07. Review status: no assertion criteria provided. Collection method: clinical testing. Allele origin: germline. Not counted in ClinVar's aggregate classification.
Comment: This variant is classified as likely benign based on ACMG/AMP sequence variant interpretation guidelines (Richards et al. 2015 PMID: 25741868, with internal and published modifications).

Dr. Peter K. Rogan Lab, Western University
No classification provided (evidence only). Condition: Uterine corpus endometrial carcinoma. Review status: no classification provided. Collection method: in vitro. Allele origin: not applicable. Functional consequence: retained intron. Not counted in ClinVar's aggregate classification.